The following is an entry in ClinVar:

ClinVar aggregate classification (germline): Benign. Review status: criteria provided, single submitter (1 of 4 stars). 2 submissions from 1 submitter: Benign (2). Last evaluated 2018-01-13.

Conditions:
Susceptibility to mononeuropathy of the median nerve, mild. Also called: CARPAL TUNNEL SYNDROME, SUSCEPTIBILITY TO. Identifiers: MedGen C3150596, MONDO:0013237, OMIM 613353.
Charcot-Marie-Tooth disease type 4C (CMT4C). Also called: CMT 4C; SH3TC2-Related Hereditary Motor and Sensory Neuropathy; Charcot-Marie-Tooth Neuropathy Type 4C (CMT4C); CHARCOT-MARIE-TOOTH DISEASE, DEMYELINATING, TYPE 4C; CHARCOT-MARIE-TOOTH DISEASE, DEMYELINATING, AUTOSOMAL RECESSIVE, TYPE 4C. Identifiers: Orphanet 99949, MedGen C1866636, MONDO:0011113, OMIM 601596.

Allele frequency attached by ClinVar (database versions not stated): TOPMed 0.00083; gnomAD 0.00086 and 0.00118; 1000 Genomes Project 30x 0.00375; 1000 Genomes Project 0.00459.
gnomAD v4.1: 178 of 152,292 alleles (0.12%); highest among the groups gnomAD compares: East Asian, 1.9%; 3 homozygotes.

Submissions (2):

Illumina Laboratory Services, Illumina
Classification: Benign for Charcot-Marie-Tooth disease type 4C. Last evaluated: 2018-01-13. Review status: criteria provided, single submitter. Criteria: ICSL Variant Classification Criteria 13 December 2019. Collection method: clinical testing. Allele origin: germline.
Comment: This variant was observed in the ICSL laboratory as part of a predisposition screen in an ostensibly healthy population. It had not been previously curated by ICSL or reported in the Human Gene Mutation Database (HGMD: prior to June 1st, 2018), and was therefore a candidate for classification through an automated scoring system. Utilizing variant allele frequency, disease prevalence and penetrance estimates, and inheritance mode, an automated score was calculated to assess if this variant is too frequent to cause the disease. Based on the score and internal cut-off values, a variant classified as benign is not then subjected to further curation. The score for this variant resulted in a classification of benign for this disease.

Illumina Laboratory Services, Illumina
Classification: Benign for Susceptibility to mononeuropathy of the median nerve, mild. Last evaluated: 2018-01-13. Review status: criteria provided, single submitter. Criteria: ICSL Variant Classification Criteria 13 December 2019. Collection method: clinical testing. Allele origin: germline.
Comment: the same text as in the submission from Illumina Laboratory Services, Illumina above.

NM_024577.4(SH3TC2):c.*18699T>G

Gene: SH3TC2 (SH3 domain and tetratricopeptide repeats 2; minus strand). Cytogenetic location: 5q32.
Variant type: single nucleotide variant.
Coding change: c.*18699T>G on transcript NM_024577.4 (MANE Select); 18699 bases downstream of the stop codon, T replaced by G.
Molecular consequence: 3 prime UTR variant.
Genome position (GRCh38, 1-based): chr5:148,986,012, A>C on the plus strand (T>G on the coding strand, the complement: SH3TC2 is on the minus strand). VCF-style: chr5-148986012-A-C. GRCh37 (hg19) VCF-style: chr5-148365575-A-C.
Identifiers: ClinVar variation 907918 (VCV000907918.4), dbSNP rs117371981, ClinGen allele CA128985614.